The following is an entry in ClinVar:

NM_003183.6(ADAM17):c.492G>A (p.Met164Ile)

Gene: ADAM17 (ADAM metallopeptidase domain 17; minus strand). Cytogenetic location: 2p25.1.
Variant type: single nucleotide variant.
Coding change: c.492G>A on transcript NM_003183.6 (MANE Select); coding-DNA position 492, G replaced by A.
Protein change: p.Met164Ile; replaces methionine 164 with isoleucine.
Molecular consequence: missense variant. On other transcripts: 5 prime UTR variant (2).
Genome position (GRCh38, 1-based): chr2:9,527,913, C>T on the plus strand (G>A on the coding strand, the complement: ADAM17 is on the minus strand). VCF-style: chr2-9527913-C-T. GRCh37 (hg19) VCF-style: chr2-9668042-C-T.
Other names: c.-189G>A (NM_001382777.1); c.-431G>A (NM_001382778.1); short protein forms M164I.
Identifiers: ClinVar variation 2094795 (VCV002094795.4), dbSNP rs374243206, ClinGen allele CA1523744.

ClinVar aggregate classification (germline): Uncertain significance (1 of 4 stars; one submission).

Conditions:
Inflammatory skin and bowel disease, neonatal, 1. Identifiers: Orphanet 294023, MedGen C3280501, MONDO:0013693, OMIM 614328.

Allele frequency attached by ClinVar (database versions not stated): gnomAD exomes below 0.00001; TOPMed below 0.00001; ExAC 0.00001; gnomAD 0.00001; ESP Exome Variant Server 0.00008.

Submission:

Labcorp Genetics (formerly Invitae), Labcorp
Classification: Uncertain significance for Inflammatory skin and bowel disease, neonatal, 1. Last evaluated: 2022-02-08. Review status: criteria provided, single submitter. Criteria: Invitae Variant Classification Sherloc (09022015). Collection method: clinical testing. Allele origin: germline.
Comment: This sequence change replaces methionine, which is neutral and non-polar, with isoleucine, which is neutral and non-polar, at codon 164 of the ADAM17 protein (p.Met164Ile). This variant is present in population databases (rs374243206, gnomAD 0.002%). This variant has not been reported in the literature in individuals affected with ADAM17-related conditions. Algorithms developed to predict the effect of missense changes on protein structure and function output the following: SIFT: "Not Available"; PolyPhen-2: "Benign"; Align-GVGD: "Not Available". The isoleucine amino acid residue is found in multiple mammalian species, which suggests that this missense change does not adversely affect protein function. In summary, the available evidence is currently insufficient to determine the role of this variant in disease. Therefore, it has been classified as a Variant of Uncertain Significance.